The following is an entry in ClinVar:

NM_005956.4(MTHFD1):c.422A>G (p.Asn141Ser)

Gene: MTHFD1 (methylenetetrahydrofolate dehydrogenase, cyclohydrolase and formyltetrahydrofolate synthetase 1; plus strand). Cytogenetic location: 14q23.3.
Variant type: single nucleotide variant.
Coding change: c.422A>G on transcript NM_005956.4 (MANE Select); coding-DNA position 422, A replaced by G.
Protein change: p.Asn141Ser; replaces asparagine 141 with serine.
Molecular consequence: missense variant.
Genome position (GRCh38, 1-based): chr14:64,415,683, A>G. VCF-style: chr14-64415683-A-G. GRCh37 (hg19) VCF-style: chr14-64882401-A-G.
Other names: c.422A>G, p.Asn141Ser (NM_001364837.1); short protein forms N141S.
Identifiers: ClinVar variation 4692659 (VCV004692659.1).

ClinVar aggregate classification (germline): Uncertain significance (1 of 4 stars; one submission).

Submission:

Labcorp Genetics (formerly Invitae), Labcorp
Classification: Uncertain significance. Last evaluated: 2026-01-07. Review status: criteria provided, single submitter. Criteria: Invitae Variant Classification Sherloc (09022015). Collection method: clinical testing. Allele origin: germline.
Comment: This sequence change replaces asparagine, which is neutral and polar, with serine, which is neutral and polar, at codon 141 of the MTHFD1 protein (p.Asn141Ser). This variant is present in population databases (no rsID available, gnomAD 0.0009%). This variant has not been reported in the literature in individuals affected with MTHFD1-related conditions. Invitae Evidence Modeling of protein sequence and biophysical properties (such as structural, functional, and spatial information, amino acid conservation, physicochemical variation, residue mobility, and thermodynamic stability) indicates that this missense variant is not expected to disrupt MTHFD1 protein function with a negative predictive value of 80%. In summary, the available evidence is currently insufficient to determine the role of this variant in disease. Therefore, it has been classified as a Variant of Uncertain Significance.